The following is an entry in ClinVar:

NM_033026.6(PCLO):c.7893T>G (p.Ile2631Met)

Gene: PCLO (piccolo presynaptic cytomatrix protein; minus strand). Cytogenetic location: 7q21.11.
Variant type: single nucleotide variant.
Coding change: c.7893T>G on transcript NM_033026.6 (MANE Select); coding-DNA position 7893, T replaced by G.
Protein change: p.Ile2631Met; replaces isoleucine 2631 with methionine.
Molecular consequence: missense variant.
Genome position (GRCh38, 1-based): chr7:82,953,060, A>C on the plus strand (T>G on the coding strand, the complement: PCLO is on the minus strand). VCF-style: chr7-82953060-A-C. GRCh37 (hg19) VCF-style: chr7-82582376-A-C.
Other names: c.7893T>G, p.Ile2631Met (NM_014510.3); short protein forms I2631M.
Identifiers: ClinVar variation 1374059 (VCV001374059.6), dbSNP rs778309760, ClinGen allele CA367915420.

ClinVar aggregate classification (germline): Uncertain significance (1 of 4 stars; one submission).

Submission:

Labcorp Genetics (formerly Invitae), Labcorp
Classification: Uncertain significance. Last evaluated: 2021-08-11. Review status: criteria provided, single submitter. Criteria: Invitae Variant Classification Sherloc (09022015). Collection method: clinical testing. Allele origin: germline.
Comment: In summary, the available evidence is currently insufficient to determine the role of this variant in disease. Therefore, it has been classified as a Variant of Uncertain Significance. Algorithms developed to predict the effect of missense changes on protein structure and function output the following: SIFT: "Tolerated"; PolyPhen-2: "Not Available"; Align-GVGD: "Class C0". The methionine amino acid residue is found in multiple mammalian species, which suggests that this missense change does not adversely affect protein function. This variant has not been reported in the literature in individuals affected with PCLO-related conditions. This variant is not present in population databases (ExAC no frequency). This sequence change replaces isoleucine with methionine at codon 2631 of the PCLO protein (p.Ile2631Met). The isoleucine residue is weakly conserved and there is a small physicochemical difference between isoleucine and methionine.